The following is an entry in ClinVar:

NM_001009999.3(KDM1A):c.2210G>C (p.Gly737Ala)

Gene: KDM1A (lysine demethylase 1A; plus strand). Cytogenetic location: 1p36.12.
Variant type: single nucleotide variant.
Coding change: c.2210G>C on transcript NM_001009999.3 (MANE Select); coding-DNA position 2210, G replaced by C.
Protein change: p.Gly737Ala; replaces glycine 737 with alanine.
Molecular consequence: missense variant.
Genome position (GRCh38, 1-based): chr1:23,081,485, G>C. VCF-style: chr1-23081485-G-C. GRCh37 (hg19) VCF-style: chr1-23407978-G-C.
Other names: c.2156G>C, p.Gly719Ala (NM_001363654.2); c.2216G>C, p.Gly739Ala (NM_001410762.1); c.2138G>C, p.Gly713Ala (NM_001410763.1, NM_015013.4); short protein forms G737A, G713A, G719A, G739A.
Identifiers: ClinVar variation 3532959 (VCV003532959.1).

ClinVar aggregate classification (germline): Uncertain significance (1 of 4 stars; one submission).

Conditions:
Inborn genetic diseases. Identifiers: MedGen C0950123, MeSH D030342.

gnomAD v4.1: 13 of 1,614,038 alleles (0.00081%); highest among the groups gnomAD compares: Non-Finnish European, 0.0011%; no homozygotes.

Submission:

Ambry Genetics
Classification: Uncertain significance for Inborn genetic diseases. Last evaluated: 2024-12-02. Review status: criteria provided, single submitter. Criteria: Ambry Variant Classification Scheme 2023. Collection method: clinical testing. Allele origin: germline.
Comment: The p.G737A variant (also known as c.2210G>C), located in coding exon 19 of the KDM1A gene, results from a G to C substitution at nucleotide position 2210. The glycine at codon 737 is replaced by alanine, an amino acid with similar properties. This amino acid position is conserved. In addition, this alteration is predicted to be deleterious by in silico analysis. Based on the available evidence, the clinical significance of this variant remains unclear.